The following is an entry in ClinVar:

ClinVar aggregate classification (germline): Uncertain significance (1 of 4 stars; one submission).

Allele frequency attached by ClinVar (database versions not stated): gnomAD 0.00001.
gnomAD v4.1: 5 of 1,613,378 alleles (0.00031%); highest among the groups gnomAD compares: South Asian, 0.0055%; no homozygotes.

Submission:

Labcorp Genetics (formerly Invitae), Labcorp
Classification: Uncertain significance. Last evaluated: 2024-08-12. Review status: criteria provided, single submitter. Criteria: Invitae Variant Classification Sherloc (09022015). Collection method: clinical testing. Allele origin: germline.
Comment: This sequence change replaces serine, which is neutral and polar, with tyrosine, which is neutral and polar, at codon 844 of the RP1 protein (p.Ser844Tyr). This variant is not present in population databases (gnomAD no frequency). This variant has not been reported in the literature in individuals affected with RP1-related conditions. An algorithm developed to predict the effect of missense changes on protein structure and function (PolyPhen-2) suggests that this variant is likely to be disruptive. In summary, the available evidence is currently insufficient to determine the role of this variant in disease. Therefore, it has been classified as a Variant of Uncertain Significance.

NM_006269.2(RP1):c.2531C>A (p.Ser844Tyr)

Gene: RP1 (RP1 axonemal microtubule associated; plus strand). Cytogenetic location: 8q12.1.
Variant type: single nucleotide variant.
Coding change: c.2531C>A on transcript NM_006269.2 (MANE Select); coding-DNA position 2531, C replaced by A.
Protein change: p.Ser844Tyr; replaces serine 844 with tyrosine.
Molecular consequence: missense variant. On other transcripts: intron variant (1).
Genome position (GRCh38, 1-based): chr8:54,626,413, C>A. VCF-style: chr8-54626413-C-A. GRCh37 (hg19) VCF-style: chr8-55538973-C-A.
Other names: c.787+4125C>A (NM_001375654.1); short protein forms S844Y.
Identifiers: ClinVar variation 2970432 (VCV002970432.3), dbSNP rs1806051320, ClinGen allele CA370994050.